The following is an entry in ClinVar:

NM_001267550.2(TTN):c.106184C>T (p.Ser35395Leu)

Genes: TTN (titin; minus strand), TTN-AS1 (TTN antisense RNA 1; plus strand), LOC129935182 (ATAC-STARR-seq lymphoblastoid active region 16807; plus strand). Cytogenetic location: 2q31.2.
Variant type: single nucleotide variant.
Coding change: c.106184C>T on transcript NM_001267550.2 (MANE Select); coding-DNA position 106184, C replaced by T.
Protein change: p.Ser35395Leu; replaces serine 35395 with leucine.
Molecular consequence: missense variant.
Genome position (GRCh38, 1-based): chr2:178,530,431, G>A on the plus strand (C>T on the coding strand, the complement: TTN is on the minus strand). VCF-style: chr2-178530431-G-A. GRCh37 (hg19) VCF-style: chr2-179395158-G-A.
Other names: c.101261C>T, p.Ser33754Leu (NM_001256850.1); c.78989C>T, p.Ser26330Leu (NM_003319.4); c.98480C>T, p.Ser32827Leu (NM_133378.4); c.79364C>T, p.Ser26455Leu (NM_133432.3); c.79565C>T, p.Ser26522Leu (NM_133437.4); short protein forms S26330L, S32827L, S26522L, S33754L, S26455L, S35395L.
Identifiers: ClinVar variation 1952940 (VCV001952940.5), dbSNP rs778880594, ClinGen allele CA1985151.

ClinVar aggregate classification (germline): Uncertain significance (1 of 4 stars; one submission).

Conditions:
Dilated cardiomyopathy 1G (CMD1G). Identifiers: Orphanet 154, MedGen C1858763, MONDO:0011400, OMIM 604145.
Autosomal recessive limb-girdle muscular dystrophy type 2J (LGMDR10). Also called: MUSCULAR DYSTROPHY, LIMB-GIRDLE, AUTOSOMAL RECESSIVE 10; Limb-girdle muscular dystrophy, type 2J. Identifiers: Orphanet 140922, MedGen C1837342, MONDO:0012127, OMIM 608807.

Allele frequency attached by ClinVar (database versions not stated): TOPMed below 0.00001; gnomAD exomes 0.00001; ExAC 0.00002.
gnomAD v4.1: 17 of 1,613,956 alleles (0.0011%); highest among the groups gnomAD compares: South Asian, 0.0099%; no homozygotes.

Submission:

Labcorp Genetics (formerly Invitae), Labcorp
Classification: Uncertain significance for Dilated cardiomyopathy 1G; Autosomal recessive limb-girdle muscular dystrophy type 2J. Last evaluated: 2025-10-01. Review status: criteria provided, single submitter. Criteria: Invitae Variant Classification Sherloc (09022015). Collection method: clinical testing. Allele origin: germline.
Comment: This sequence change replaces serine, which is neutral and polar, with leucine, which is neutral and non-polar, at codon 35395 of the TTN protein (p.Ser35395Leu). This variant is present in population databases (rs778880594, gnomAD 0.006%). This variant has not been reported in the literature in individuals affected with TTN-related conditions. ClinVar contains an entry for this variant (Variation ID: 1952940). An algorithm developed to predict the effect of missense changes on protein structure and function outputs the following: PolyPhen-2: "Not Available". The leucine amino acid residue is found in multiple mammalian species, which suggests that this missense change does not adversely affect protein function. This variant is located in the M band of TTN (PMID: 25589632). Non-truncating variants in this region may be relevant for neuromuscular disorders, but have not been definitively shown to cause cardiomyopathy (PMID: 23975875). In summary, the available evidence is currently insufficient to determine the role of this variant in disease. Therefore, it has been classified as a Variant of Uncertain Significance.

Literature cited by the submitters: PubMed 25589632; PubMed 23975875.